The following is an entry in ClinVar:

ClinVar aggregate classification (germline): Uncertain significance (1 of 4 stars; one submission).

Submission:

Ambry Genetics
Classification: Uncertain significance. Last evaluated: 2024-07-23. Review status: criteria provided, single submitter. Criteria: Ambry Variant Classification Scheme 2023. Collection method: clinical testing. Allele origin: germline.
Comment: The c.187G>A (p.G63S) alteration is located in exon 2 (coding exon 2) of the ATP6V0C gene. This alteration results from a G to A substitution at nucleotide position 187, causing the glycine (G) at amino acid position 63 to be replaced by a serine (S). This variant was not reported in population-based cohorts in the Genome Aggregation Database (gnomAD). This amino acid position is highly conserved in available vertebrate species. This missense alteration is located in a region that has a low rate of benign missense variation (Lek, 2016; Firth, 2009). This alteration is predicted to be tolerated by in silico analysis. Based on insufficient or conflicting evidence, the clinical significance of this alteration remains unclear.

NM_001694.4(ATP6V0C):c.187G>A (p.Gly63Ser)

Gene: ATP6V0C (ATPase H+ transporting V0 subunit c; plus strand). Cytogenetic location: 16p13.3.
Variant type: single nucleotide variant.
Coding change: c.187G>A on transcript NM_001694.4 (MANE Select); coding-DNA position 187, G replaced by A.
Protein change: p.Gly63Ser; replaces glycine 63 with serine.
Molecular consequence: missense variant.
Genome position (GRCh38, 1-based): chr16:2,519,325, G>A. VCF-style: chr16-2519325-G-A. GRCh37 (hg19) VCF-style: chr16-2569326-G-A.
Other names: c.187G>A, p.Gly63Ser (NM_001198569.2); short protein forms G63S.
Identifiers: ClinVar variation 3329470 (VCV003329470.2).